The following is an entry in ClinVar:

ClinVar aggregate classification (germline): Uncertain significance. Review status: criteria provided, multiple submitters, no conflicts (2 of 4 stars). 2 submissions from 2 submitters: Uncertain significance (2). Last evaluated 2025-10-30.

Conditions:
Hereditary cancer-predisposing syndrome. Also called: Neoplastic Syndromes, Hereditary; Hereditary neoplastic syndrome; Tumor predisposition; Hereditary Cancer Syndrome. Identifiers: Orphanet 140162, MedGen C0027672, MeSH D009386, MONDO:0015356.
Multiple endocrine neoplasia, type 1 (MEN1). Also called: Endocrine adenomatosis multiple; MEN 1; MEA I; MEN I; WERMER SYNDROME. Identifiers: Orphanet 652, MedGen C0025267, MeSH D018761, MONDO:0007540, OMIM 131100.

Submissions (2):

Ambry Genetics
Classification: Uncertain significance for Hereditary cancer-predisposing syndrome. Last evaluated: 2025-10-30. Review status: criteria provided, single submitter. Criteria: Ambry Variant Classification Scheme 2023. Collection method: clinical testing. Allele origin: germline.
Comment: The c.247_249dupCTG variant (also known as p.L83dup), located in coding exon 1 of the MEN1 gene, results from an in-frame duplication of CTG at nucleotide positions 247 to 249. This results in the duplication of an extra residue between codons 83 and 84. This variant was reported in individual(s) with features consistent with multiple endocrine neoplasia type 1 (Ambry internal data). This amino acid position is highly conserved in available vertebrate species. In addition, this variant is predicted to be deleterious by in silico analysis (Choi Y et al. PLoS ONE. 2012; 7(10):e46688). Based on the available evidence, the clinical significance of this variant remains unclear.

Labcorp Genetics (formerly Invitae), Labcorp
Classification: Uncertain significance for Multiple endocrine neoplasia, type 1. Last evaluated: 2023-05-09. Review status: criteria provided, single submitter. Criteria: Invitae Variant Classification Sherloc (09022015). Collection method: clinical testing. Allele origin: germline.
Comment: This variant, c.247_249dup, results in the insertion of 1 amino acid(s) of the MEN1 protein (p.Leu83dup), but otherwise preserves the integrity of the reading frame. This variant is not present in population databases (gnomAD no frequency). This variant has not been reported in the literature in individuals affected with MEN1-related conditions. ClinVar contains an entry for this variant (Variation ID: 2014275). In summary, the available evidence is currently insufficient to determine the role of this variant in disease. Therefore, it has been classified as a Variant of Uncertain Significance.

NM_001370259.2(MEN1):c.247_249dup (p.Leu83_Ser84insLeu)

Gene: MEN1 (menin 1; minus strand). Cytogenetic location: 11q13.1.
Variant type: Duplication.
Coding change: c.247_249dup on transcript NM_001370259.2 (MANE Select); coding-DNA positions 247 to 249, 3 bases duplicated (CTG; older notation c.247_249dupCTG).
Protein change: p.Leu83_Ser84insLeu.
Molecular consequence: inframe insertion. On other transcripts: inframe indel (11).
Genome position (GRCh38, 1-based): chr11:64,809,861-64,809,863, CAG duplicated on the plus strand (CTG on the coding strand, the reverse complement: MEN1 is on the minus strand). VCF-style (leftmost placement, unchanged base first): chr11-64809860-A-ACAG. GRCh37 (hg19) VCF-style: chr11-64577332-A-ACAG.
Other names: c.247_249dup, p.Leu83_Ser84insLeu (NM_000244.4, NM_001370251.2, NM_001370260.2 and 20 more transcripts); c.247_249dupCTG (NM_130799.2).
Identifiers: ClinVar variation 2014275 (VCV002014275.5), dbSNP rs2497273376, ClinGen allele CA2580084425.